The following is an entry in ClinVar:

NM_024675.4(PALB2):c.1295A>G (p.His432Arg)

Gene: PALB2 (partner and localizer of BRCA2; minus strand). Cytogenetic location: 16p12.2.
Variant type: single nucleotide variant.
Coding change: c.1295A>G on transcript NM_024675.4 (MANE Select); coding-DNA position 1295, A replaced by G.
Protein change: p.His432Arg; replaces histidine 432 with arginine.
Molecular consequence: missense variant.
Genome position (GRCh38, 1-based): chr16:23,635,251, T>C on the plus strand (A>G on the coding strand, the complement: PALB2 is on the minus strand). VCF-style: chr16-23635251-T-C. GRCh37 (hg19) VCF-style: chr16-23646572-T-C.
Other names: short protein forms H432R.
Identifiers: ClinVar variation 651764 (VCV000651764.2), dbSNP rs1597096474, ClinGen allele CA395132484.

ClinVar aggregate classification (germline): Uncertain significance (1 of 4 stars; one submission).

Conditions:
Familial cancer of breast. Also called: hereditary breast carcinoma; BREAST CANCER, FAMILIAL; Hereditary breast cancer. Identifiers: Orphanet 227535, MedGen C0346153, MONDO:0016419, OMIM 114480. Disease mechanism: loss of function.

Submission:

Labcorp Genetics (formerly Invitae), Labcorp
Classification: Uncertain significance for Hereditary Breast Carcinoma. Last evaluated: 2018-11-05. Review status: criteria provided, single submitter. Criteria: Invitae Variant Classification Sherloc (09022015). Collection method: clinical testing. Allele origin: germline.
Comment: This sequence change replaces histidine with arginine at codon 432 of the PALB2 protein (p.His432Arg). The histidine residue is moderately conserved and there is a small physicochemical difference between histidine and arginine. This variant is not present in population databases (ExAC no frequency). This variant has not been reported in the literature in individuals with PALB2-related disease. Algorithms developed to predict the effect of missense changes on protein structure and function are either unavailable or do not agree on the potential impact of this missense change (SIFT: "Tolerated"; PolyPhen-2: "Probably Damaging"; Align-GVGD: "Class C0"). In summary, the available evidence is currently insufficient to determine the role of this variant in disease. Therefore, it has been classified as a Variant of Uncertain Significance.